The following is an entry in ClinVar:

NM_203446.3(SYNJ1):c.*431G>A

Gene: SYNJ1 (synaptojanin 1; minus strand). Cytogenetic location: 21q22.11.
Variant type: single nucleotide variant.
Coding change: c.*431G>A on transcript NM_203446.3 (MANE Select); 431 bases downstream of the stop codon, G replaced by A.
Molecular consequence: 3 prime UTR variant. On other transcripts: missense variant (2).
Genome position (GRCh38, 1-based): chr21:32,631,374, C>T on the plus strand (G>A on the coding strand, the complement: SYNJ1 is on the minus strand). VCF-style: chr21-32631374-C-T. GRCh37 (hg19) VCF-style: chr21-34003684-C-T.
Other names: c.*431G>A (NM_001160302.2); c.4202G>A, p.Gly1401Asp (NM_001160306.2); c.4460G>A, p.Gly1487Asp (NM_003895.4); short protein forms G1487D, G1401D.
Identifiers: ClinVar variation 1446911 (VCV001446911.6), dbSNP rs2145657162, ClinGen allele CA410081619.

ClinVar aggregate classification (germline): Uncertain significance. Review status: criteria provided, multiple submitters, no conflicts (2 of 4 stars). 2 submissions from 2 submitters: Uncertain significance (2). Last evaluated 2024-03-29.

Conditions:
Developmental and epileptic encephalopathy, 53. Also called: Epileptic encephalopathy, early infantile, 53. Identifiers: MedGen C4479313, MONDO:0033362, OMIM 617389.
Early-onset Parkinson disease 20. Also called: PARKINSON DISEASE 20, AUTOSOMAL RECESSIVE EARLY-ONSET. Identifiers: Orphanet 391411, MedGen C3809824, MONDO:0014233, OMIM 615530.
Inborn genetic diseases. Identifiers: MedGen C0950123, MeSH D030342.

Allele frequency attached by ClinVar (database versions not stated): gnomAD exomes 0.00001.
gnomAD v4.1: 10 of 1,614,164 alleles (0.00062%); highest among the groups gnomAD compares: Non-Finnish European, 0.00085%; no homozygotes.

Submissions (2):

Ambry Genetics
Classification: Uncertain significance for Inborn genetic diseases. Last evaluated: 2024-03-29. Review status: criteria provided, single submitter. Criteria: Ambry Variant Classification Scheme 2023. Collection method: clinical testing. Allele origin: germline.

Labcorp Genetics (formerly Invitae), Labcorp
Classification: Uncertain significance for Developmental and epileptic encephalopathy, 53; Early-onset Parkinson disease 20. Last evaluated: 2021-09-24. Review status: criteria provided, single submitter. Criteria: Invitae Variant Classification Sherloc (09022015). Collection method: clinical testing. Allele origin: germline.
Comment: This sequence change replaces glycine with aspartic acid at codon 1487 of the SYNJ1 protein (p.Gly1487Asp). The glycine residue is weakly conserved and there is a moderate physicochemical difference between glycine and aspartic acid. This variant is not present in population databases (ExAC no frequency). This variant has not been reported in the literature in individuals with SYNJ1-related conditions. Algorithms developed to predict the effect of missense changes on protein structure and function output the following: SIFT: "Tolerated"; PolyPhen-2: "Benign"; Align-GVGD: "Class C0". The aspartic acid amino acid residue is found in multiple mammalian species, suggesting that this missense change does not adversely affect protein function. These predictions have not been confirmed by published functional studies and their clinical significance is uncertain. In summary, the available evidence is currently insufficient to determine the role of this variant in disease. Therefore, it has been classified as a Variant of Uncertain Significance.